The following is an entry in ClinVar:

NM_014611.3(MDN1):c.9882-5G>A

Gene: MDN1 (midasin AAA ATPase 1; minus strand). Cytogenetic location: 6q15.
Variant type: single nucleotide variant.
Coding change: c.9882-5G>A on transcript NM_014611.3 (MANE Select); 5 bases into the intron before coding-DNA position 9882, G replaced by A.
Molecular consequence: intron variant.
Genome position (GRCh38, 1-based): chr6:89,693,153, C>T on the plus strand (G>A on the coding strand, the complement: MDN1 is on the minus strand). VCF-style: chr6-89693153-C-T. GRCh37 (hg19) VCF-style: chr6-90402872-C-T.
Identifiers: ClinVar variation 3052643 (VCV003052643.2), dbSNP rs139125002, ClinGen allele CA3923682.

ClinVar aggregate classification (germline): Benign (0 of 4 stars; one submission).

Conditions:
MDN1-related disorder. Also called: MDN1-related condition.

Allele frequency attached by ClinVar (database versions not stated): ExAC 0.00158; ESP Exome Variant Server 0.00315; gnomAD 0.00342; 1000 Genomes Project 0.00379; TOPMed 0.00419; 1000 Genomes Project 30x 0.00500.
gnomAD v4.1: 1,158 of 1,564,124 alleles (0.074%); highest among the groups gnomAD compares: African/African-American, 1.1%; 8 homozygotes.

Submission:

PreventionGenetics, part of Exact Sciences
Classification: Benign for MDN1-related condition. Last evaluated: 2019-08-15. Review status: no assertion criteria provided. Collection method: clinical testing. Allele origin: germline.
Comment: This variant is classified as benign based on ACMG/AMP sequence variant interpretation guidelines (Richards et al. 2015 PMID: 25741868, with internal and published modifications).